The following is an entry in ClinVar:

NM_001035.3(RYR2):c.11965A>C (p.Asn3989His)

Gene: RYR2 (ryanodine receptor 2; plus strand). Cytogenetic location: 1q43.
Variant type: single nucleotide variant.
Coding change: c.11965A>C on transcript NM_001035.3 (MANE Select); coding-DNA position 11965, A replaced by C.
Protein change: p.Asn3989His; replaces asparagine 3989 with histidine.
Molecular consequence: missense variant.
Genome position (GRCh38, 1-based): chr1:237,783,677, A>C. VCF-style: chr1-237783677-A-C. GRCh37 (hg19) VCF-style: chr1-237946977-A-C.
Other names: p.N3989H:AAT>CAT; c.11965A>C, p.Asn3989His (LRG_402t1); short protein forms N3989H.
Identifiers: ClinVar variation 201318 (VCV000201318.4), dbSNP rs794728779, ClinGen allele CA007268.

ClinVar aggregate classification (germline): Conflicting classifications of pathogenicity. Review status: criteria provided, conflicting classifications (1 of 4 stars). 2 submissions from 2 submitters: Pathogenic (1); Uncertain significance (1). Last evaluated 2023-07-13.

Conditions:
Cardiovascular phenotype. Identifiers: MedGen CN230736.

Submissions (2):

Ambry Genetics
Classification: Uncertain significance for Cardiovascular phenotype. Last evaluated: 2023-07-13. Review status: criteria provided, single submitter. Criteria: Ambry Variant Classification Scheme 2023. Collection method: clinical testing. Allele origin: germline.
Comment: The p.N3989H variant (also known as c.11965A>C), located in coding exon 90 of the RYR2 gene, results from an A to C substitution at nucleotide position 11965. The asparagine at codon 3989 is replaced by histidine, an amino acid with similar properties. This amino acid position is highly conserved in available vertebrate species. In addition, this alteration is predicted to be deleterious by in silico analysis. Since supporting evidence is limited at this time, the clinical significance of this alteration remains unclear.

GeneDx
Classification: Pathogenic. Last evaluated: 2014-12-09. Review status: criteria provided, single submitter. Criteria: GeneDx Variant Classification (06012015). Collection method: clinical testing. Allele origin: germline. Affected: yes.
Comment: p.Asn3989His (AAT>CAT): c.11965 A>C in exon 90 of the RYR2 gene (NM_001035.2). The Asn3989His mutation in the RYR2 gene has not been reported previously as a disease-causing mutation or as a benign polymorphism, to our knowledge. Asn3989His results in a non-conservative amino acid substitution of a neutral, polar Asparagine with a positively charged Histidine at a residue that is conserved across species. The Asn3989His mutation is located in the channel region mutation hot spot, where other mutations in nearby codons (Met3978Ile, Val3990Asp) have been reported in association with CPVT (Medeiros-Domingo A et al., 2009). In summary, Asn3989His in the RYR2 gene is interpreted as a likely disease-causing mutation. The variant is found in CPVT panel(s).